The following is an entry in ClinVar:

ClinVar aggregate classification (germline): Pathogenic (1 of 4 stars; one submission).

gnomAD v4.1: 1 of 1,304,828 alleles (0.000077%); no homozygotes.

Submission:

GeneDx
Classification: Pathogenic. Last evaluated: 2023-06-26. Review status: criteria provided, single submitter. Criteria: GeneDx Variant Classification Process June 2021. Collection method: clinical testing. Allele origin: germline. Affected: yes.
Comment: Canonical splice site variant predicted to result in a null allele in a gene for which loss of function is a known mechanism of disease; Not observed at significant frequency in large population cohorts (gnomAD); Has not been previously published as pathogenic or benign to our knowledge

NM_001127222.2(CACNA1A):c.6340-1G>C

Gene: CACNA1A (calcium voltage-gated channel subunit alpha1 A; minus strand). Cytogenetic location: 19p13.13.
Variant type: single nucleotide variant.
Coding change: c.6340-1G>C on transcript NM_001127222.2 (MANE Select); the canonical splice acceptor site of the intron before coding-DNA position 6340, G replaced by C.
Molecular consequence: splice acceptor variant.
Genome position (GRCh38, 1-based): chr19:13,209,499, C>G on the plus strand (G>C on the coding strand, the complement: CACNA1A is on the minus strand). VCF-style: chr19-13209499-C-G. GRCh37 (hg19) VCF-style: chr19-13320313-C-G.
Other names: c.6343-1G>C (NM_001127221.2); c.6349-1G>C (NM_001174080.2); c.6358-1G>C (NM_000068.4, NM_023035.3).
Identifiers: ClinVar variation 1711933 (VCV001711933.3), dbSNP rs2512521156, ClinGen allele CA404331201.